The following is an entry in ClinVar:

ClinVar aggregate classification (germline): Pathogenic (1 of 4 stars; one submission).

Conditions:
Cystic fibrosis (CF). Also called: MUCOVISCIDOSIS. Identifiers: Orphanet 586, MedGen C0010674, MONDO:0009061, OMIM 219700. Disease mechanism: loss of function.

Submission:

Servicio de Genética Del Instituto Nacional de Salud Del Niño, Ministerio de Salud
Classification: Pathogenic for Cystic fibrosis. Review status: criteria provided, single submitter. Criteria: ACMG Guidelines, 2015. Collection method: clinical testing, research. Allele origin: germline, not applicable. Inheritance: Autosomal recessive inheritance. Affected: yes. Observed: 1 homozygote. Functional consequence: absent gene product.
Comment: This large deletion is expected to result in a complete loss of function of CFTR, a gene in which loss of function is a well-established disease mechanism (PVS1). The variant was not found in population databases such as gnomAD (PM2). The patient presented with clinical features highly specific to cystic fibrosis (PP4). Based on ACMG/AMP guidelines, the variant is classified as Pathogenic.

Literature cited by the submitters: PubMed 31406621.

GRCh37/hg19 7q31.2(chr7:117087267-117305344)x1

Gene: CFTR (CF transmembrane conductance regulator; plus strand). Cytogenetic location: 7q31.2.
Variant type: copy number loss.
Change: copy number 1 (one copy instead of two) of chr7:117,087,267-117,305,344 (218.1 kb, GRCh37 coordinates, 1-based), cytogenetic band 7q31.2.
Identifiers: ClinVar variation 3894528 (VCV003894528.2).